The following is an entry in ClinVar:

NM_001289808.2(CRYAB):c.172C>G (p.Pro58Ala)

Gene: CRYAB (crystallin alpha B; minus strand). Cytogenetic location: 11q23.1.
Variant type: single nucleotide variant.
Coding change: c.172C>G on transcript NM_001289808.2 (MANE Select); coding-DNA position 172, C replaced by G.
Protein change: p.Pro58Ala; replaces proline 58 with alanine.
Molecular consequence: missense variant.
Genome position (GRCh38, 1-based): chr11:111,911,553, G>C on the plus strand (C>G on the coding strand, the complement: CRYAB is on the minus strand). VCF-style: chr11-111911553-G-C. GRCh37 (hg19) VCF-style: chr11-111782277-G-C.
Other names: c.172C>G, p.Pro58Ala (NM_001289807.1, NM_001368245.1, NM_001885.3); short protein forms P58A.
Identifiers: ClinVar variation 3896831 (VCV003896831.1).

ClinVar aggregate classification (germline): Uncertain significance (1 of 4 stars; one submission).

Submission:

Kariminejad - Najmabadi Pathology & Genetics Center
Classification: Uncertain significance. Last evaluated: 2022-01-17. Review status: criteria provided, single submitter. Criteria: ACMG Guidelines, 2015. Collection method: clinical testing. Allele origin: germline. Inheritance: Autosomal dominant inheritance. Affected: yes.
Comment: PM2, PP3